The following is an entry in ClinVar:

NM_022114.4(PRDM16):c.794C>T (p.Ala265Val)

Gene: PRDM16 (PR/SET domain 16; plus strand). Cytogenetic location: 1p36.32.
Variant type: single nucleotide variant.
Coding change: c.794C>T on transcript NM_022114.4 (MANE Select); coding-DNA position 794, C replaced by T.
Protein change: p.Ala265Val; replaces alanine 265 with valine.
Molecular consequence: missense variant.
Genome position (GRCh38, 1-based): chr1:3,402,908, C>T. VCF-style: chr1-3402908-C-T. GRCh37 (hg19) VCF-style: chr1-3319472-C-T.
Other names: c.794C>T, p.Ala265Val (NM_199454.3); short protein forms A265V.
Identifiers: ClinVar variation 1496739 (VCV001496739.8), dbSNP rs2100642494, ClinGen allele CA338003214.

ClinVar aggregate classification (germline): Uncertain significance (1 of 4 stars; one submission).

Conditions:
Left ventricular noncompaction 8 (LVNC8). Identifiers: Orphanet 154, Orphanet 54260, MedGen C3809288, MONDO:0014152, OMIM 615373.

Submission:

Labcorp Genetics (formerly Invitae), Labcorp
Classification: Uncertain significance for Left ventricular noncompaction 8. Last evaluated: 2021-06-02. Review status: criteria provided, single submitter. Criteria: Invitae Variant Classification Sherloc (09022015). Collection method: clinical testing. Allele origin: germline.
Comment: In summary, the available evidence is currently insufficient to determine the role of this variant in disease. Therefore, it has been classified as a Variant of Uncertain Significance. Algorithms developed to predict the effect of missense changes on protein structure and function (SIFT, PolyPhen-2, Align-GVGD) all suggest that this variant is likely to be tolerated, but these predictions have not been confirmed by published functional studies and their clinical significance is uncertain. This variant has not been reported in the literature in individuals with PRDM16-related conditions. This variant is not present in population databases (ExAC no frequency). This sequence change replaces alanine with valine at codon 265 of the PRDM16 protein (p.Ala265Val). The alanine residue is weakly conserved and there is a small physicochemical difference between alanine and valine.